The following is an entry in ClinVar:

NM_138694.4(PKHD1):c.2179A>G (p.Asn727Asp)

Gene: PKHD1 (PKHD1 ciliary IPT domain containing fibrocystin/polyductin; minus strand). Cytogenetic location: 6p12.2.
Variant type: single nucleotide variant.
Coding change: c.2179A>G on transcript NM_138694.4 (MANE Select); coding-DNA position 2179, A replaced by G.
Protein change: p.Asn727Asp; replaces asparagine 727 with aspartic acid.
Molecular consequence: missense variant.
Genome position (GRCh38, 1-based): chr6:52,050,257, T>C on the plus strand (A>G on the coding strand, the complement: PKHD1 is on the minus strand). VCF-style: chr6-52050257-T-C. GRCh37 (hg19) VCF-style: chr6-51915055-T-C.
Other names: c.2179A>G, p.Asn727Asp (NM_170724.3); short protein forms N727D.
Identifiers: ClinVar variation 1805432 (VCV001805432.1), dbSNP rs1419399644, ClinGen allele CA364443880.

ClinVar aggregate classification (germline): Uncertain significance (1 of 4 stars; one submission).

Conditions:
Polycystic kidney disease 4 (PKD4). Also called: PKD3; Autosomal Recessive Polycystic Kidney Disease – PKHD1; POLYCYSTIC KIDNEY AND HEPATIC DISEASE 1; POLYCYSTIC KIDNEY DISEASE, INFANTILE, TYPE I; POLYCYSTIC KIDNEY DISEASE 4 WITH OR WITHOUT POLYCYSTIC LIVER DISEASE. Identifiers: MedGen C4540575, MONDO:0033004, OMIM 263200.

Allele frequency attached by ClinVar (database versions not stated): gnomAD exomes below 0.00001.
gnomAD v4.1: 2 of 1,614,140 alleles (0.00012%); highest among the groups gnomAD compares: Non-Finnish European, 0.00017%; no homozygotes.

Submission:

Victorian Clinical Genetics Services, Murdoch Childrens Research Institute
Classification: Uncertain significance for Polycystic kidney disease 4. Last evaluated: 2022-03-31. Review status: criteria provided, single submitter. Criteria: ACMG Guidelines, 2015. Collection method: clinical testing. Allele origin: germline. Inheritance: Autosomal recessive inheritance.
Comment: Based on the classification scheme VCGS_Germline_v1.3.4, this variant is classified as VUS-3A. Following criteria are met: 0102 - Loss of function is a known mechanism of disease in this gene and is associated with polycystic kidney disease 4, with or without hepatic disease (MIM#263200). (I) 0106 - This gene is associated with autosomal recessive disease. (I) 0115 - Variants in this gene are known to have variable expressivity. There is significant intrafamilial variation of severity (GeneReviews). (I) 0200 - Variant is predicted to result in a missense amino acid change from asparagine to aspartic acid. (I) 0251 - This variant is heterozygous. (I) 0304 - Variant is present in gnomAD (v2) <0.01 for a recessive condition (1 heterozygote, 0 homozygotes). (SP) 0309 - An alternative amino acid change at the same position has been observed in gnomAD (v3) (1 heterozygote, 0 homozygotes). (I) 0503 - Missense variant consistently predicted to be tolerated by multiple in silico tools or not conserved in placental mammals with a minor amino acid change. (SB) 0604 - Variant is not located in an established domain, motif, hotspot or informative constraint region. (I) 0708 - Another missense variant comparable to the one identified in this case has conflicting previous evidence for pathogenicity. This alternative change (p.(Asn727Ser)), has been reported several times as a VUS (ClinVar), but also as possibly pathogenic in a compound heterozygous individual with severe polycystic kidney disease (LOVD, PMID: 16133180). Another missense variant of stronger Grantham change (p.(Asn727Lys)) has also been described as likely benign (LOVD). (I) 0807 - This variant has no previous evidence of pathogenicity. (I) 0905 - No published segregation evidence has been identified for this variant. (I) 1007 - No published functional evidence has been identified for this variant. (I) 1201 - Heterozygous variant detected in trans with a second pathogenic heterozygous variant (p.(Ile2331Lys)) in a recessive disease. (I) Legend: (SP) - Supporting pathogenic, (I) - Information, (SB) - Supporting benign

Literature cited by the submitters: PubMed 16133180.